The following is an entry in ClinVar:

NM_022458.4(LMBR1):c.*303T>C

Gene: LMBR1 (limb development membrane protein 1; minus strand). Cytogenetic location: 7q36.3.
Variant type: single nucleotide variant.
Coding change: c.*303T>C on transcript NM_022458.4 (MANE Select); 303 bases downstream of the stop codon, T replaced by C.
Molecular consequence: 3 prime UTR variant. On other transcripts: non-coding transcript variant (2).
Genome position (GRCh38, 1-based): chr7:156,683,775, A>G on the plus strand (T>C on the coding strand, the complement: LMBR1 is on the minus strand). VCF-style: chr7-156683775-A-G. GRCh37 (hg19) VCF-style: chr7-156476469-A-G.
Other names: c.*303T>C (NM_001350953.2, NM_001350954.2, NM_001350955.2 and 8 more transcripts).
Identifiers: ClinVar variation 359412 (VCV000359412.5), dbSNP rs115465818, ClinGen allele CA10623523.

ClinVar aggregate classification (germline): Benign (1 of 4 stars; one submission).

Conditions:
Polydactyly of a triphalangeal thumb. Also called: POLYDACTYLY OF TRIPHALANGEAL THUMB; TRIPHALANGEAL THUMB-POLYDACTYLY SYNDROME; Polydactyly, preaxial type II. Identifiers: Orphanet 2439, Orphanet 2950, Orphanet 93336, MedGen C1868114, MONDO:0008270, OMIM 174500.

Allele frequency attached by ClinVar (database versions not stated): gnomAD exomes 0.00053; gnomAD 0.00420 and 0.00434; TOPMed 0.00456; 1000 Genomes Project 0.00619; 1000 Genomes Project 30x 0.00625.
gnomAD v4.1: 690 of 249,674 alleles (0.28%); highest among the groups gnomAD compares: African/African-American, 1.4%; 2 homozygotes.

Submission:

Illumina Laboratory Services, Illumina
Classification: Benign for Polydactyly of a triphalangeal thumb. Last evaluated: 2018-01-13. Review status: criteria provided, single submitter. Criteria: ICSL Variant Classification Criteria 13 December 2019. Collection method: clinical testing. Allele origin: germline.
Comment: This variant was observed in the ICSL laboratory as part of a predisposition screen in an ostensibly healthy population. It had not been previously curated by ICSL or reported in the Human Gene Mutation Database (HGMD: prior to June 1st, 2018), and was therefore a candidate for classification through an automated scoring system. Utilizing variant allele frequency, disease prevalence and penetrance estimates, and inheritance mode, an automated score was calculated to assess if this variant is too frequent to cause the disease. Based on the score and internal cut-off values, a variant classified as benign is not then subjected to further curation. The score for this variant resulted in a classification of benign for this disease.